The following is an entry in ClinVar:

ClinVar aggregate classification (germline): Likely benign. Review status: criteria provided, multiple submitters, no conflicts (2 of 4 stars). 3 submissions from 3 submitters: Likely benign (3). Last evaluated 2025-04-08.

Conditions:
Muscular dystrophy-dystroglycanopathy (congenital with brain and eye anomalies), type a, 8 (MDDGA8). Also called: WALKER-WARBURG SYNDROME OR MUSCLE-EYE-BRAIN DISEASE, GTDC2-RELATED. Identifiers: Orphanet 899, MedGen C3553813, MONDO:0013904, OMIM 614830.

Allele frequency attached by ClinVar (database versions not stated): gnomAD exomes 0.00002 and 0.00004; TOPMed 0.00002; gnomAD 0.00003; ExAC 0.00005; 1000 Genomes Project 30x 0.00016.

Submissions (3):

Labcorp Genetics (formerly Invitae), Labcorp
Classification: Likely benign for Muscular dystrophy-dystroglycanopathy (congenital with brain and eye anomalies), type a, 8. Last evaluated: 2025-04-08. Review status: criteria provided, single submitter. Criteria: Invitae Variant Classification Sherloc (09022015). Collection method: clinical testing. Allele origin: germline.

CeGaT Center for Human Genetics Tuebingen
Classification: Likely benign. Last evaluated: 2022-12-01. Review status: criteria provided, single submitter. Criteria: CeGaT Center For Human Genetics Tuebingen Variant Classification Criteria Version 2. Collection method: clinical testing. Allele origin: germline. Affected: yes. Observed: 1 variant allele.
Comment: POMGNT2: BP4, BP7

GeneDx
Classification: Likely benign. Last evaluated: 2017-05-17. Review status: criteria provided, single submitter. Criteria: GeneDx Variant Classification (06012015). Collection method: clinical testing. Allele origin: germline. Affected: yes.
Comment: This variant is considered likely benign or benign based on one or more of the following criteria: it is a conservative change, it occurs at a poorly conserved position in the protein, it is predicted to be benign by multiple in silico algorithms, and/or has population frequency not consistent with disease.

NM_032806.6(POMGNT2):c.1389C>T (p.Arg463=)

Gene: POMGNT2 (protein O-linked mannose N-acetylglucosaminyltransferase 2 (beta 1,4-); minus strand). Cytogenetic location: 3p22.1.
Variant type: single nucleotide variant.
Coding change: c.1389C>T on transcript NM_032806.6 (MANE Select); coding-DNA position 1389, C replaced by T.
Protein change: p.Arg463=; no amino-acid change (arginine 463 retained).
Molecular consequence: synonymous variant.
Genome position (GRCh38, 1-based): chr3:43,080,043, G>A on the plus strand (C>T on the coding strand, the complement: POMGNT2 is on the minus strand). VCF-style: chr3-43080043-G-A. GRCh37 (hg19) VCF-style: chr3-43121535-G-A.
Identifiers: ClinVar variation 509570 (VCV000509570.32), dbSNP rs756556274, ClinGen allele CA2339856.